The following is an entry in ClinVar:

NM_004225.3(MFHAS1):c.840C>G (p.Leu280=)

Gene: MFHAS1 (multifunctional ROCO family signaling regulator 1). Cytogenetic location: 8p23.1.
Variant type: single nucleotide variant.
Coding change: c.840C>G on transcript NM_004225.3 (MANE Select); coding-DNA position 840, C replaced by G.
Protein change: p.Leu280=; no amino-acid change (leucine 280 retained).
Molecular consequence: synonymous variant.
Genome position (GRCh38, 1-based): chr8:8,892,219, G>C on the plus strand (C>G on the coding strand, the complement: MFHAS1 is on the minus strand). VCF-style: chr8-8892219-G-C. GRCh37 (hg19) VCF-style: chr8-8749729-G-C.
Identifiers: ClinVar variation 3059717 (VCV003059717.2), dbSNP rs3748141, ClinGen allele CA4619408.

ClinVar aggregate classification (germline): Benign (0 of 4 stars; one submission).

Conditions:
MFHAS1-related disorder. Also called: MFHAS1-related condition.

Allele frequency attached by ClinVar (database versions not stated): 1000 Genomes Project 0.14237; 1000 Genomes Project 30x 0.14350; TOPMed 0.16466; ESP Exome Variant Server 0.17590.
gnomAD v4.1: 221,205 of 1,610,674 alleles (14%); highest among the groups gnomAD compares: African/African-American, 25%; 16,643 homozygotes.

Submission:

PreventionGenetics, part of Exact Sciences
Classification: Benign for MFHAS1-related condition. Last evaluated: 2019-10-28. Review status: no assertion criteria provided. Collection method: clinical testing. Allele origin: germline.
Comment: This variant is classified as benign based on ACMG/AMP sequence variant interpretation guidelines (Richards et al. 2015 PMID: 25741868, with internal and published modifications).